The following is an entry in ClinVar:

NM_182914.3(SYNE2):c.15718G>A (p.Ala5240Thr)

Gene: SYNE2 (spectrin repeat containing nuclear envelope protein 2; plus strand). Cytogenetic location: 14q23.2.
Variant type: single nucleotide variant.
Coding change: c.15718G>A on transcript NM_182914.3 (MANE Select); coding-DNA position 15718, G replaced by A.
Protein change: p.Ala5240Thr; replaces alanine 5240 with threonine.
Molecular consequence: missense variant.
Genome position (GRCh38, 1-based): chr14:64,152,642, G>A. VCF-style: chr14-64152642-G-A. GRCh37 (hg19) VCF-style: chr14-64619360-G-A.
Other names: c.15718G>A, p.Ala5240Thr (NM_015180.6); short protein forms A5240T.
Identifiers: ClinVar variation 2644301 (VCV002644301.24), dbSNP rs2549472775, ClinGen allele CA389951604.

ClinVar aggregate classification (germline): Uncertain significance (1 of 4 stars; one submission).

Allele frequency attached by ClinVar (database versions not stated): gnomAD exomes below 0.00001.
gnomAD v4.1: 1 of 1,614,100 alleles (0.000062%); highest among the groups gnomAD compares: Non-Finnish European, 0.000085%; no homozygotes.

Submission:

CeGaT Center for Human Genetics Tuebingen
Classification: Uncertain significance. Last evaluated: 2024-03-01. Review status: criteria provided, single submitter. Criteria: CeGaT Center For Human Genetics Tuebingen Variant Classification Criteria Version 2. Collection method: clinical testing. Allele origin: germline. Affected: yes. Observed: 1 variant allele.
Comment: SYNE2: PM2, BP4